The following is an entry in ClinVar:

NM_001048174.2(MUTYH):c.2T>G (p.Met1Arg)

Gene: MUTYH (mutY DNA glycosylase; minus strand). Cytogenetic location: 1p34.1.
Variant type: single nucleotide variant.
Coding change: c.2T>G on transcript NM_001048174.2 (MANE Select); coding-DNA position 2, T replaced by G.
Protein change: p.Met1Arg; changes the start codon (methionine 1).
Molecular consequence: missense variant, initiator codon variant. On other transcripts: 5 prime UTR variant (4), non-coding transcript variant (2).
Genome position (GRCh38, 1-based): chr1:45,334,504, A>C on the plus strand (T>G on the coding strand, the complement: MUTYH is on the minus strand). VCF-style: chr1-45334504-A-C. GRCh37 (hg19) VCF-style: chr1-45800176-A-C.
Other names: c.2T>G, p.Met1Arg (NM_001048171.2, NM_001048172.2, NM_001048173.2 and 2 more transcripts); c.44T>G, p.Met15Arg (NM_001128425.2, NM_001293190.2, NM_012222.3); c.-211T>G (NM_001293192.2, NM_001293196.2); c.-270T>G (NM_001350650.2); c.-206T>G (NM_001350651.2); short protein forms M15R, M1R.
Identifiers: ClinVar variation 567351 (VCV000567351.11), dbSNP rs201163858, ClinGen allele CA340137307.

ClinVar aggregate classification (germline): Uncertain significance. Review status: criteria provided, multiple submitters, no conflicts (2 of 4 stars). 2 submissions from 2 submitters: Uncertain significance (2). Last evaluated 2025-06-16.

Conditions:
Hereditary cancer-predisposing syndrome. Also called: Tumor predisposition; Neoplastic Syndromes, Hereditary; Hereditary neoplastic syndrome; Hereditary Cancer Syndrome. Identifiers: Orphanet 140162, MedGen C0027672, MeSH D009386, MONDO:0015356.
Familial adenomatous polyposis 2. Also called: MYH-associated polyposis; FAP type 2; COLORECTAL ADENOMATOUS POLYPOSIS, AUTOSOMAL RECESSIVE; ADENOMAS, MULTIPLE COLORECTAL, AUTOSOMAL RECESSIVE; MUTYH-related attenuated familial adenomatous polyposis; MUTYH Polyposis. Identifiers: Orphanet 220460, Orphanet 247798, MedGen C3272841, MONDO:0012041, OMIM 608456.

Submissions (2):

Labcorp Genetics (formerly Invitae), Labcorp
Classification: Uncertain significance for Familial adenomatous polyposis 2. Last evaluated: 2025-06-16. Review status: criteria provided, single submitter. Criteria: Invitae Variant Classification Sherloc (09022015). Collection method: clinical testing. Allele origin: germline.
Comment: This sequence change replaces methionine, which is neutral and non-polar, with arginine, which is basic and polar, at codon 15 of the MUTYH protein (p.Met15Arg). This variant is not present in population databases (gnomAD no frequency). This variant has not been reported in the literature in individuals affected with MUTYH-related conditions. ClinVar contains an entry for this variant (Variation ID: 567351). An algorithm developed to predict the effect of missense changes on protein structure and function (PolyPhen-2) suggests that this variant is likely to be tolerated. In summary, the available evidence is currently insufficient to determine the role of this variant in disease. Therefore, it has been classified as a Variant of Uncertain Significance.

Ambry Genetics
Classification: Uncertain significance for Hereditary cancer-predisposing syndrome. Last evaluated: 2022-06-13. Review status: criteria provided, single submitter. Criteria: Ambry Variant Classification Scheme 2023. Collection method: clinical testing. Allele origin: germline.
Comment: The p.M15R variant (also known as c.44T>G), located in coding exon 2 of the MUTYH gene, results from a T to G substitution at nucleotide position 44. The methionine at codon 15 is replaced by arginine, an amino acid with similar properties. This amino acid position is highly conserved in available vertebrate species. In addition, this alteration is predicted to be deleterious by in silico analysis. Since supporting evidence is limited at this time, the clinical significance of this alteration remains unclear.